The following is an entry in ClinVar:

ClinVar aggregate classification (germline): Pathogenic/Likely pathogenic. Review status: criteria provided, multiple submitters, no conflicts (2 of 4 stars). 2 submissions from 2 submitters: Pathogenic (1); Likely pathogenic (1). Last evaluated 2023-12-21.

Conditions:
Juvenile myelomonocytic leukemia (JMML). Also called: LEUKEMIA, JUVENILE MYELOMONOCYTIC, SOMATIC. Identifiers: Orphanet 86834, MedGen C0349639, MONDO:0011908, OMIM 607785, HP:0012209.
Neurofibromatosis, type 1 (NF1). Also called: VON RECKLINGHAUSEN DISEASE; NEUROFIBROMATOSIS, TYPE I, SOMATIC; Peripheral type neurofibromatosis; Neurofibromatosis, type I. Identifiers: Orphanet 636, MedGen C0027831, MONDO:0018975, OMIM 162200. Disease mechanism: loss of function.

Submissions (2):

Baylor Genetics
Classification: Likely pathogenic for Juvenile myelomonocytic leukemia. Last evaluated: 2023-12-21. Review status: criteria provided, single submitter. Criteria: ACMG Guidelines, 2015. Collection method: clinical testing. Allele origin: unknown.

Labcorp Genetics (formerly Invitae), Labcorp
Classification: Pathogenic for Neurofibromatosis, type 1. Last evaluated: 2019-07-31. Review status: criteria provided, single submitter. Criteria: Invitae Variant Classification Sherloc (09022015). Collection method: clinical testing. Allele origin: germline.
Comment: This variant is not present in population databases (ExAC no frequency). This sequence change creates a premature translational stop signal (p.Tyr235Serfs*44) in the NF1 gene. It is expected to result in an absent or disrupted protein product. For these reasons, this variant has been classified as Pathogenic. Loss-of-function variants in NF1 are known to be pathogenic (PMID: 10712197, 23913538). This variant has not been reported in the literature in individuals with NF1-related conditions.

Literature cited by the submitters: PubMed 10712197 (cited by Labcorp Genetics (formerly Invitae), Labcorp); PubMed 23913538 (cited by Labcorp Genetics (formerly Invitae), Labcorp).

NM_001042492.3(NF1):c.702_708del (p.Tyr235fs)

Gene: NF1 (neurofibromin 1; plus strand). Cytogenetic location: 17q11.2.
Variant type: Deletion.
Coding change: c.702_708del on transcript NM_001042492.3 (MANE Select); coding-DNA positions 702 to 708, 7 bases deleted (GTACCAG; older notation c.702_708delGTACCAG).
Protein change: p.Tyr235fs; shifts the reading frame from tyrosine 235.
Molecular consequence: frameshift variant.
Genome position (GRCh38, 1-based): chr17:31,181,757-31,181,763, GTACCAG deleted. VCF-style (leftmost placement, unchanged base first): chr17-31181756-TGTACCAG-T. GRCh37 (hg19) VCF-style: chr17-29508774-TGTACCAG-T.
Other names: c.702_708delGTACCAG, p.Tyr235Serfs (NM_000267.4); c.702_708del, p.Tyr235fs (NM_001128147.3); short protein forms Y235fs.
Identifiers: ClinVar variation 952081 (VCV000952081.7), dbSNP rs2066139158, ClinGen allele CA1139665359.